The following is an entry in ClinVar:

NM_001031710.3(KLHL7):c.157A>G (p.Arg53Gly)

Gene: KLHL7 (kelch like family member 7; plus strand). Cytogenetic location: 7p15.3.
Variant type: single nucleotide variant.
Coding change: c.157A>G on transcript NM_001031710.3 (MANE Select); coding-DNA position 157, A replaced by G.
Protein change: p.Arg53Gly; replaces arginine 53 with glycine.
Molecular consequence: missense variant. On other transcripts: non-coding transcript variant (2).
Genome position (GRCh38, 1-based): chr7:23,123,813, A>G. VCF-style: chr7-23123813-A-G. GRCh37 (hg19) VCF-style: chr7-23163432-A-G.
Other names: c.157A>G, p.Arg53Gly (NM_001172428.2); c.13A>G, p.Arg5Gly (NM_018846.5); short protein forms R5G, R53G.
Identifiers: ClinVar variation 1355464 (VCV001355464.8), dbSNP rs2128460036, ClinGen allele CA366974616.

ClinVar aggregate classification (germline): Uncertain significance (1 of 4 stars; one submission).

gnomAD v4.1: 1 of 1,613,876 alleles (0.000062%); no homozygotes.

Submission:

Labcorp Genetics (formerly Invitae), Labcorp
Classification: Uncertain significance. Last evaluated: 2021-05-20. Review status: criteria provided, single submitter. Criteria: Invitae Variant Classification Sherloc (09022015). Collection method: clinical testing. Allele origin: germline.
Comment: In summary, the available evidence is currently insufficient to determine the role of this variant in disease. Therefore, it has been classified as a Variant of Uncertain Significance. Algorithms developed to predict the effect of missense changes on protein structure and function are either unavailable or do not agree on the potential impact of this missense change (SIFT: "Deleterious"; PolyPhen-2: "Benign"; Align-GVGD: "Class C45"). This variant has not been reported in the literature in individuals with KLHL7-related conditions. This variant is not present in population databases (ExAC no frequency). This sequence change replaces arginine with glycine at codon 53 of the KLHL7 protein (p.Arg53Gly). The arginine residue is highly conserved and there is a moderate physicochemical difference between arginine and glycine.